The following is an entry in ClinVar:

NM_001164508.2(NEB):c.20644_20645dup (p.Leu6883fs)

Gene: NEB (nebulin; minus strand). Cytogenetic location: 2q23.3.
Variant type: Duplication.
Coding change: c.20644_20645dup on transcript NM_001164508.2 (MANE Select); coding-DNA positions 20644 to 20645, 2 bases duplicated (CT; older notation c.20644_20645dupCT).
Protein change: p.Leu6883fs; shifts the reading frame from leucine 6883.
Molecular consequence: frameshift variant.
Genome position (GRCh38, 1-based): chr2:151,541,484-151,541,485, AG duplicated on the plus strand (CT on the coding strand, the reverse complement: NEB is on the minus strand); duplicating any 2 consecutive bases within chr2:151,541,484-151,541,486 gives the same sequence; the c. name uses the placement nearest the transcript's 3' end. VCF-style (leftmost placement, unchanged base first): chr2-151541483-A-AAG. GRCh37 (hg19) VCF-style: chr2-152397997-A-AAG.
Other names: c.20644_20645dup, p.Leu6883fs (NM_001164507.2, NM_001271208.2); c.15541_15542dup, p.Leu5182fs (NM_004543.5); short protein forms L5182fs, L6883fs.
Identifiers: ClinVar variation 1076712 (VCV001076712.7), dbSNP rs2153574857, ClinGen allele CA2499215031.
Genomic context (GRCh38, chr2:151,541,483, plus strand): 5'-AGGCTTATGAACCTCTGAGCTTACCTGACTCTGAAGCTTCTGCCCTCGCTTGGCTCTTAA[A>AAG]AGATCAGGAGTATCAGGAACTGAAGTAAAGATTGACTTCTGCTTCTTGCCTGCAGCTCTG-3'

ClinVar aggregate classification (germline): Pathogenic (1 of 4 stars; one submission).

Conditions:
Nemaline myopathy 2 (NEM2). Also called: Nemaline myopathy 2, autosomal recessive. Identifiers: MedGen C1850569, MONDO:0009725, OMIM 256030.

Submission:

Labcorp Genetics (formerly Invitae), Labcorp
Classification: Pathogenic for Nemaline myopathy 2. Last evaluated: 2020-06-04. Review status: criteria provided, single submitter. Criteria: Invitae Variant Classification Sherloc (09022015). Collection method: clinical testing. Allele origin: germline.
Comment: This variant has not been reported in the literature in individuals with NEB-related conditions. This variant is not present in population databases (ExAC no frequency). This sequence change creates a premature translational stop signal (p.Leu6883Phefs*2) in the NEB gene. It is expected to result in an absent or disrupted protein product. Loss-of-function variants in NEB are known to be pathogenic (PMID: 25205138). For these reasons, this variant has been classified as Pathogenic.

Literature cited by the submitters: PubMed 25205138.